The following is an entry in ClinVar:

ClinVar aggregate classification (germline): Uncertain significance (1 of 4 stars; one submission).

Allele frequency attached by ClinVar (database versions not stated): TOPMed below 0.00001; gnomAD 0.00001; ExAC 0.00007.
gnomAD v4.1: 31 of 1,614,030 alleles (0.0019%); highest among the groups gnomAD compares: Non-Finnish European, 0.0026%; no homozygotes.

Submission:

Labcorp Genetics (formerly Invitae), Labcorp
Classification: Uncertain significance. Last evaluated: 2023-07-10. Review status: criteria provided, single submitter. Criteria: Invitae Variant Classification Sherloc (09022015). Collection method: clinical testing. Allele origin: germline.
Comment: This variant is present in population databases (rs773570739, gnomAD 0.006%). This sequence change replaces phenylalanine, which is neutral and non-polar, with leucine, which is neutral and non-polar, at codon 381 of the MMP14 protein (p.Phe381Leu). In summary, the available evidence is currently insufficient to determine the role of this variant in disease. Therefore, it has been classified as a Variant of Uncertain Significance. Advanced modeling of protein sequence and biophysical properties (such as structural, functional, and spatial information, amino acid conservation, physicochemical variation, residue mobility, and thermodynamic stability) performed at Invitae indicates that this missense variant is not expected to disrupt MMP14 protein function. This variant has not been reported in the literature in individuals affected with MMP14-related conditions.

NM_004995.4(MMP14):c.1141T>C (p.Phe381Leu)

Gene: MMP14 (matrix metallopeptidase 14; plus strand). Cytogenetic location: 14q11.2.
Variant type: single nucleotide variant.
Coding change: c.1141T>C on transcript NM_004995.4 (MANE Select); coding-DNA position 1141, T replaced by C.
Protein change: p.Phe381Leu; replaces phenylalanine 381 with leucine.
Molecular consequence: missense variant.
Genome position (GRCh38, 1-based): chr14:22,844,500, T>C. VCF-style: chr14-22844500-T-C. GRCh37 (hg19) VCF-style: chr14-23313709-T-C.
Other names: short protein forms F381L.
Identifiers: ClinVar variation 2995515 (VCV002995515.3), dbSNP rs773570739, ClinGen allele CA7105375.